The following is an entry in ClinVar:

NM_206933.4(USH2A):c.7541A>G (p.Asn2514Ser)

Gene: USH2A (usherin; minus strand). Cytogenetic location: 1q41.
Variant type: single nucleotide variant.
Coding change: c.7541A>G on transcript NM_206933.4 (MANE Select); coding-DNA position 7541, A replaced by G.
Protein change: p.Asn2514Ser; replaces asparagine 2514 with serine.
Molecular consequence: missense variant.
Genome position (GRCh38, 1-based): chr1:215,900,128, T>C on the plus strand (A>G on the coding strand, the complement: USH2A is on the minus strand). VCF-style: chr1-215900128-T-C. GRCh37 (hg19) VCF-style: chr1-216073470-T-C.
Other names: short protein forms N2514S.
Identifiers: ClinVar variation 286304 (VCV000286304.63), dbSNP rs150060240, ClinGen allele CA1394810.

ClinVar aggregate classification (germline): Conflicting classifications of pathogenicity. Review status: criteria provided, conflicting classifications (1 of 4 stars). 8 submissions from 8 submitters: Uncertain significance (6); Likely benign (1). 1 of the submissions does not count toward it. Last evaluated 2026-01-26.

Conditions:
Retinitis pigmentosa 39 (RP39). Identifiers: Orphanet 791, MedGen C3151138, MONDO:0013436, OMIM 613809.
Usher syndrome type 2A. Also called: RETINAL DISEASE IN USHER SYNDROME TYPE IIA, MODIFIER OF; USHER SYNDROME, TYPE IIA. Identifiers: Orphanet 231178, Orphanet 886, MedGen C1848634, MONDO:0010169, OMIM 276901.

Allele frequency attached by ClinVar (database versions not stated): gnomAD 0.00010; TOPMed 0.00015; ExAC 0.00019; gnomAD exomes 0.00019; ESP Exome Variant Server 0.00023; 1000 Genomes Project 30x 0.00031; 1000 Genomes Project 0.00040.

Submissions (8):

Labcorp Genetics (formerly Invitae), Labcorp
Classification: Likely benign. Last evaluated: 2026-01-26. Review status: criteria provided, single submitter. Criteria: Invitae Variant Classification Sherloc (09022015). Collection method: clinical testing. Allele origin: germline.

GeneDx
Classification: Uncertain significance. Last evaluated: 2025-01-29. Review status: criteria provided, single submitter. Criteria: GeneDx Variant Classification Process June 2021. Collection method: clinical testing. Allele origin: germline. Affected: yes.
Comment: In silico analysis supports that this missense variant has a deleterious effect on protein structure/function; Has not been previously published as pathogenic or benign to our knowledge

Blueprint Genetics
Classification: Uncertain significance. Last evaluated: 2024-03-23. Review status: criteria provided, single submitter. Criteria: ACMG Guidelines, 2015. Collection method: clinical testing. Allele origin: germline.

Department of Pathology and Laboratory Medicine, Sinai Health System
Classification: Uncertain significance for Usher syndrome type 2A; Retinitis pigmentosa 39. Last evaluated: 2022-04-13. Review status: criteria provided, single submitter. Criteria: ACMG Guidelines, 2015. Collection method: research. Allele origin: germline.

Centre for Mendelian Genomics, University Medical Centre Ljubljana
Classification: Uncertain significance for Usher syndrome type 2A. Last evaluated: 2019-11-28. Review status: criteria provided, single submitter. Criteria: ACMG Guidelines, 2015. Collection method: clinical testing. Allele origin: unknown. Affected: yes.
Comment: This variant was classified as: Uncertain significance. The available evidence on this variant's pathogenicity is insufficient or conflicting. The following ACMG criteria were applied in classifying this variant: PM1,PP3.

CeGaT Center for Human Genetics Tuebingen
Classification: Uncertain significance. Last evaluated: 2016-10-01. Review status: criteria provided, single submitter. Criteria: CeGaT Center For Human Genetics Tuebingen Variant Classification Criteria Version 2. Collection method: clinical testing. Allele origin: germline. Affected: yes. Observed: 1 variant allele.

Eurofins Ntd Llc (ga)
Classification: Uncertain significance. Last evaluated: 2016-02-12. Review status: criteria provided, single submitter. Criteria: EGL Classification Definitions 2015. Collection method: clinical testing. Allele origin: germline. Observed: 1 variant allele, 1 heterozygote.

Natera, Inc.
Classification: Uncertain significance for Usher syndrome type 2A. Last evaluated: 2020-01-17. Review status: no assertion criteria provided. Collection method: clinical testing. Allele origin: germline. Not counted in ClinVar's aggregate classification.